The following is an entry in ClinVar:

ClinVar aggregate classification (germline): Uncertain significance (1 of 4 stars; one submission).

Conditions:
Dilated cardiomyopathy 1D. Identifiers: Orphanet 154, Orphanet 54260, MedGen C1832243, MONDO:0011095, OMIM 601494.
Cardiomyopathy, familial restrictive, 3. Identifiers: Orphanet 75249, MedGen C2676271, MONDO:0012900, OMIM 612422.
Hypertrophic cardiomyopathy 2. Also called: TNNT2-Related Familial Hypertrophic Cardiomyopathy. Identifiers: MedGen C1861864, MONDO:0007266, OMIM 115195.

Submission:

Labcorp Genetics (formerly Invitae), Labcorp
Classification: Uncertain significance for Cardiomyopathy, familial restrictive, 3; Hypertrophic cardiomyopathy 2; Dilated cardiomyopathy 1D. Last evaluated: 2020-12-20. Review status: criteria provided, single submitter. Criteria: Invitae Variant Classification Sherloc (09022015). Collection method: clinical testing. Allele origin: germline.
Comment: A copy number gain of the genomic region encompassing the full coding sequence of the TNNT2 gene has been identified. The boundaries of this event are unknown as they extend beyond the assayed region for this gene and therefore may encompass additional genes. As the precise location of this event is unknown, it may be in tandem or it may be located elsewhere in the genome. This variant has not been reported in the literature in individuals with TNNT2-related conditions. In summary, the available evidence is currently insufficient to determine the role of this variant in disease. Therefore, it has been classified as a Variant of Uncertain Significance.

NC_000001.10:g.(?_201327136)_(201347828_?)dup

Gene: TNNT2 (troponin T2, cardiac type; minus strand). Cytogenetic location: 1q32.1.
Variant type: Duplication.
Identifiers: ClinVar variation 1460586 (VCV001460586.1).